The following is an entry in ClinVar:

NM_004239.4(TRIP11):c.1280T>C (p.Leu427Ser)

Gene: TRIP11 (thyroid hormone receptor interactor 11; minus strand). Cytogenetic location: 14q32.12.
Variant type: single nucleotide variant.
Coding change: c.1280T>C on transcript NM_004239.4 (MANE Select); coding-DNA position 1280, T replaced by C.
Protein change: p.Leu427Ser; replaces leucine 427 with serine.
Molecular consequence: missense variant.
Genome position (GRCh38, 1-based): chr14:92,011,020, A>G on the plus strand (T>C on the coding strand, the complement: TRIP11 is on the minus strand). VCF-style: chr14-92011020-A-G. GRCh37 (hg19) VCF-style: chr14-92477364-A-G.
Other names: c.1277T>C, p.Leu426Ser (NM_001321851.1); short protein forms L427S, L426S.
Identifiers: ClinVar variation 314970 (VCV000314970.22), dbSNP rs34761938, ClinGen allele CA7313969.

ClinVar aggregate classification (germline): Conflicting classifications of pathogenicity. Review status: criteria provided, conflicting classifications (1 of 4 stars). 5 submissions from 5 submitters: Uncertain significance (3); Likely benign (2). Last evaluated 2026-06-05.

Conditions:
Achondrogenesis, type IA (ACG1A). Identifiers: Orphanet 932, Orphanet 93299, MedGen C0265273, MONDO:0008701, OMIM 200600.
Connective tissue disorder. Also called: Connective tissue disease. Identifiers: MedGen C0009782, MONDO:0003900.

Allele frequency attached by ClinVar (database versions not stated): gnomAD 0.00099 and 0.00103; gnomAD exomes 0.00176 and 0.00103; TOPMed 0.00103; ExAC 0.00108; ESP Exome Variant Server 0.00154.
gnomAD v4.1: 2,730 of 1,613,952 alleles (0.17%); highest among the groups gnomAD compares: Non-Finnish European, 0.21%; 4 homozygotes.

Submissions (5):

Women's Health and Genetics/Laboratory Corporation of America, LabCorp
Classification: Likely benign. Last evaluated: 2026-06-05. Review status: criteria provided, single submitter. Criteria: LabCorp Variant Classification Summary - May 2015. Collection method: clinical testing. Allele origin: germline.
Comment: Variant summary: TRIP11 c.1280T>C (p.Leu427Ser) results in a non-conservative amino acid change in the encoded protein sequence. Algorithms developed to predict the effect of missense changes on protein structure and function are either unavailable or do not agree on the potential impact of this missense change. The variant allele was found at a frequency of 0.0017 in 1613952 control chromosomes, predominantly at a frequency of 0.0027 within the Ashkenazi Jewish subpopulation in the gnomAD database. The observed variant frequency within Ashkenazi Jewish control individuals in the gnomAD database exceeds the estimated maximal expected allele frequency for disease-causing variants in TRIP11. To our knowledge, no occurrence of c.1280T>C in individuals affected with TRIP11-related conditions and no experimental evidence demonstrating its impact on protein function have been reported. The following publications have been ascertained in the context of this evaluation (PMID: 30712880, 35885997). ClinVar contains an entry for this variant (Variation ID: 314970). Based on the evidence outlined above, the variant was classified as likely benign.

Labcorp Genetics (formerly Invitae), Labcorp
Classification: Likely benign for Achondrogenesis, type IA. Last evaluated: 2026-01-27. Review status: criteria provided, single submitter. Criteria: Invitae Variant Classification Sherloc (09022015). Collection method: clinical testing. Allele origin: germline.

Genome Diagnostics Laboratory, The Hospital for Sick Children
Classification: Uncertain significance for Connective tissue disorder. Last evaluated: 2019-02-01. Review status: criteria provided, single submitter. Criteria: ACMG Guidelines, 2015. Collection method: clinical testing. Allele origin: germline.

Illumina Laboratory Services, Illumina
Classification: Uncertain significance for Achondrogenesis, type IA. Last evaluated: 2018-01-12. Review status: criteria provided, single submitter. Criteria: ICSL Variant Classification Criteria 13 December 2019. Collection method: clinical testing. Allele origin: germline.

Eurofins Ntd Llc (ga)
Classification: Uncertain significance. Last evaluated: 2016-11-11. Review status: criteria provided, single submitter. Criteria: EGL Classification Definitions 2015. Collection method: clinical testing. Allele origin: germline. Observed: 1 variant allele, 1 heterozygote.

Literature cited by the submitters: PubMed 35885997 (cited by Women's Health and Genetics/Laboratory Corporation of America, LabCorp); PubMed 30712880 (cited by Women's Health and Genetics/Laboratory Corporation of America, LabCorp).